The following is an entry in ClinVar:

NM_001848.3(COL6A1):c.227+15C>T

Gene: COL6A1 (collagen type VI alpha 1 chain; plus strand). Cytogenetic location: 21q22.3.
Variant type: single nucleotide variant.
Coding change: c.227+15C>T on transcript NM_001848.3 (MANE Select); 15 bases into the intron after coding-DNA position 227, C replaced by T.
Molecular consequence: intron variant.
Genome position (GRCh38, 1-based): chr21:45,982,778, C>T. VCF-style: chr21-45982778-C-T. GRCh37 (hg19) VCF-style: chr21-47402692-C-T.
Identifiers: ClinVar variation 387580 (VCV000387580.10), dbSNP rs199730779, ClinGen allele CA10069482.

ClinVar aggregate classification (germline): Benign/Likely benign. Review status: criteria provided, multiple submitters, no conflicts (2 of 4 stars). 3 submissions from 3 submitters: Benign (1); Likely benign (2). Last evaluated 2026-01-07.

Conditions:
Bethlem myopathy 1A. Also called: Bethlem myopathy 1; Bethlem Muscular Dystrophy; MYOPATHY, BENIGN CONGENITAL, WITH CONTRACTURES. Identifiers: Orphanet 610, MedGen CN029274, MONDO:0024530, OMIM 158810.

Allele frequency attached by ClinVar (database versions not stated): ESP Exome Variant Server 0.00008; gnomAD 0.00009 and 0.00013; TOPMed 0.00013; 1000 Genomes Project 0.00020; gnomAD exomes 0.00022 and 0.00043; 1000 Genomes Project 30x 0.00031; ExAC 0.00044.
gnomAD v4.1: 349 of 1,611,094 alleles (0.022%); highest among the groups gnomAD compares: South Asian, 0.22%; 2 homozygotes.

Submissions (3):

Labcorp Genetics (formerly Invitae), Labcorp
Classification: Benign for Bethlem myopathy 1A. Last evaluated: 2026-01-07. Review status: criteria provided, single submitter. Criteria: Invitae Variant Classification Sherloc (09022015). Collection method: clinical testing. Allele origin: germline.

Blueprint Genetics
Classification: Likely benign. Last evaluated: 2024-11-28. Review status: criteria provided, single submitter. Criteria: ACMG Guidelines, 2015. Collection method: clinical testing. Allele origin: germline.

GeneDx
Classification: Likely benign. Last evaluated: 2016-07-22. Review status: criteria provided, single submitter. Criteria: GeneDx Variant Classification (06012015). Collection method: clinical testing. Allele origin: germline. Affected: yes.
Comment: This variant is considered likely benign or benign based on one or more of the following criteria: it is a conservative change, it occurs at a poorly conserved position in the protein, it is predicted to be benign by multiple in silico algorithms, and/or has population frequency not consistent with disease.